The following is an entry in ClinVar:

NM_000260.4(MYO7A):c.6558+9G>A

Gene: MYO7A (myosin VIIA; plus strand). Cytogenetic location: 11q13.5.
Variant type: single nucleotide variant.
Coding change: c.6558+9G>A on transcript NM_000260.4 (MANE Select); 9 bases into the intron after coding-DNA position 6558, G replaced by A.
Molecular consequence: intron variant.
Genome position (GRCh38, 1-based): chr11:77,213,988, G>A. VCF-style: chr11-77213988-G-A. GRCh37 (hg19) VCF-style: chr11-76925033-G-A.
Other names: c.6411+9G>A (NM_001369365.1); c.6438+9G>A (NM_001127180.2).
Identifiers: ClinVar variation 43333 (VCV000043333.17), dbSNP rs111033184, ClinGen allele CA132439.

ClinVar aggregate classification (germline): Likely benign. Review status: criteria provided, multiple submitters, no conflicts (2 of 4 stars). 3 submissions from 3 submitters: Likely benign (3). Last evaluated 2026-02-01.

Allele frequency attached by ClinVar (database versions not stated): gnomAD exomes 0.00010; ExAC 0.00013; TOPMed 0.00029; 1000 Genomes Project 30x 0.00031; ESP Exome Variant Server 0.00032; gnomAD 0.00034 and 0.00035; 1000 Genomes Project 0.00040.
gnomAD v4.1: 155 of 1,613,930 alleles (0.0096%); highest among the groups gnomAD compares: African/African-American, 0.12%; no homozygotes.

Submissions (3):

Labcorp Genetics (formerly Invitae), Labcorp
Classification: Likely benign. Last evaluated: 2026-02-01. Review status: criteria provided, single submitter. Criteria: Invitae Variant Classification Sherloc (09022015). Collection method: clinical testing. Allele origin: germline.

Blueprint Genetics
Classification: Likely benign. Last evaluated: 2024-09-07. Review status: criteria provided, single submitter. Criteria: ACMG Guidelines, 2015. Collection method: clinical testing. Allele origin: germline.

Laboratory for Molecular Medicine, Mass General Brigham Personalized Medicine
Classification: Likely benign. Last evaluated: 2014-11-18. Review status: criteria provided, single submitter. Criteria: LMM Criteria. Collection method: clinical testing. Allele origin: germline. Observed: 2 variant alleles.
Comment: c.6558+9G>A in intron 48 of MYO7A: This variant is not expected to have clinical significance because it is not located within the conserved splice consensus se quence and is not predicted to impact splicing. It has also been identified in 0.1% (4/4228) of African American chromosomes from a broad population by the NHL BI Exome Sequencing Project (dbSNP rs111033184 ).